The following is an entry in ClinVar:

ClinVar aggregate classification (germline): Uncertain significance. Review status: criteria provided, multiple submitters, no conflicts (2 of 4 stars). 4 submissions from 4 submitters: Uncertain significance (4). Last evaluated 2025-06-11.

Conditions:
Lymphangiomyomatosis (LAM). Also called: Lymphangioleiomyomatosis, somatic; Lymphangioleiomyomatosis. Identifiers: Orphanet 538, MedGen C0751674, MONDO:0011705, OMIM 606690.
Isolated focal cortical dysplasia type II (FCORD2). Also called: Focal cortical dysplasia type II; CORTICAL DYSPLASIA OF TAYLOR. Identifiers: Orphanet 268994, MedGen C1846385, MONDO:0011818, OMIM 607341, HP:0032051.
Tuberous sclerosis 2 (TSC2). Identifiers: Orphanet 805, MedGen C1860707, MONDO:0013199, OMIM 613254.
Hereditary cancer-predisposing syndrome. Also called: Neoplastic Syndromes, Hereditary; Hereditary neoplastic syndrome; Hereditary Cancer Syndrome; Tumor predisposition. Identifiers: Orphanet 140162, MedGen C0027672, MeSH D009386, MONDO:0015356.

Allele frequency attached by ClinVar (database versions not stated): gnomAD exomes below 0.00001; TOPMed below 0.00001.
gnomAD v4.1: 1 of 1,613,512 alleles (0.000062%); highest among the groups gnomAD compares: Non-Finnish European, 0.000085%; no homozygotes.

Submissions (4):

Labcorp Genetics (formerly Invitae), Labcorp
Classification: Uncertain significance for Tuberous sclerosis 2. Last evaluated: 2025-06-11. Review status: criteria provided, single submitter. Criteria: Invitae Variant Classification Sherloc (09022015). Collection method: clinical testing. Allele origin: germline.
Comment: This sequence change replaces aspartic acid, which is acidic and polar, with glycine, which is neutral and non-polar, at codon 781 of the TSC2 protein (p.Asp781Gly). This variant is not present in population databases (gnomAD no frequency). This variant has not been reported in the literature in individuals affected with TSC2-related conditions. ClinVar contains an entry for this variant (Variation ID: 1409009). Invitae Evidence Modeling of protein sequence and biophysical properties (such as structural, functional, and spatial information, amino acid conservation, physicochemical variation, residue mobility, and thermodynamic stability) indicates that this missense variant is not expected to disrupt TSC2 protein function with a negative predictive value of 95%. In summary, the available evidence is currently insufficient to determine the role of this variant in disease. Therefore, it has been classified as a Variant of Uncertain Significance.

Ambry Genetics
Classification: Uncertain significance for Hereditary cancer-predisposing syndrome. Last evaluated: 2025-04-09. Review status: criteria provided, single submitter. Criteria: Ambry Variant Classification Scheme 2023. Collection method: clinical testing. Allele origin: germline.
Comment: The p.D781G variant (also known as c.2342A>G), located in coding exon 20 of the TSC2 gene, results from an A to G substitution at nucleotide position 2342. The aspartic acid at codon 781 is replaced by glycine, an amino acid with similar properties. This amino acid position is conserved. In addition, this alteration is predicted to be deleterious by in silico analysis. Based on the available evidence, the clinical significance of this variant remains unclear.

GeneDx
Classification: Uncertain significance. Last evaluated: 2024-06-18. Review status: criteria provided, single submitter. Criteria: GeneDx Variant Classification Process June 2021. Collection method: clinical testing. Allele origin: germline. Affected: yes.
Comment: Not observed at significant frequency in large population cohorts (gnomAD); In silico analysis supports that this missense variant has a deleterious effect on protein structure/function; Has not been previously published as pathogenic or benign to our knowledge

Fulgent Genetics
Classification: Uncertain significance for Lymphangiomyomatosis; Isolated focal cortical dysplasia type II; Tuberous sclerosis 2. Last evaluated: 2022-05-12. Review status: criteria provided, single submitter. Criteria: ACMG Guidelines, 2015. Collection method: clinical testing. Allele origin: unknown.

NM_000548.5(TSC2):c.2342A>G (p.Asp781Gly)

Gene: TSC2 (TSC complex subunit 2; plus strand). Cytogenetic location: 16p13.3.
Variant type: single nucleotide variant.
Coding change: c.2342A>G on transcript NM_000548.5 (MANE Select); coding-DNA position 2342, A replaced by G.
Protein change: p.Asp781Gly; replaces aspartic acid 781 with glycine.
Molecular consequence: missense variant.
Genome position (GRCh38, 1-based): chr16:2,072,970, A>G. VCF-style: chr16-2072970-A-G. GRCh37 (hg19) VCF-style: chr16-2122971-A-G.
Other names: c.2342A>G (NM_000548.3); c.2342A>G, p.Asp781Gly (NM_001077183.3, NM_001114382.3, NM_001363528.2 and 3 more transcripts); c.2231A>G, p.Asp744Gly (NM_001318827.2); c.2195A>G, p.Asp732Gly (NM_001318829.2); c.1742A>G, p.Asp581Gly (NM_001318831.2); c.2375A>G, p.Asp792Gly (NM_001318832.2); short protein forms D581G, D732G, D744G, D781G, D792G.
Identifiers: ClinVar variation 1409009 (VCV001409009.12), dbSNP rs2088705306, ClinGen allele CA394276688.